The following is an entry in ClinVar:

ClinVar aggregate classification (germline): Uncertain significance (1 of 4 stars; one submission).

Conditions:
Autosomal dominant nonsyndromic hearing loss 2A. Also called: DFNA2 Nonsyndromic Hearing Loss; Deafness, autosomal dominant 2A; Autosomal dominant nonsyndromic deafness 2A. Identifiers: Orphanet 90635, MedGen C2677637, MONDO:0010817, OMIM 600101.

Submission:

Precision Medicine Center, Zhengzhou University
Classification: Uncertain significance for Autosomal dominant nonsyndromic hearing loss 2A. Last evaluated: 2006-06-30. Review status: criteria provided, single submitter. Criteria: ClinGen HL ACMG Specifications v1. Collection method: clinical testing. Allele origin: paternal. Affected: yes.
Comment: PM1+PM2+PP3:The KCNQ4 c.1583C>T variant is absent or extremely rare in population databases (PM2). It is located within a critical functional domain of the KCNQ4 protein, where pathogenic missense variants are enriched and benign variants are uncommon (PM1). Multiple computational prediction algorithms support a deleterious effect on protein function (PP3). According to the ACMG/AMP guidelines, this variant is classified as Variant of Uncertain Significance (VUS).

NM_004700.4(KCNQ4):c.1583C>T (p.Pro528Leu)

Gene: KCNQ4 (potassium voltage-gated channel subfamily Q member 4; plus strand). Cytogenetic location: 1p34.2.
Variant type: single nucleotide variant.
Coding change: c.1583C>T on transcript NM_004700.4 (MANE Select); coding-DNA position 1583, C replaced by T.
Protein change: p.Pro528Leu; replaces proline 528 with leucine.
Molecular consequence: missense variant.
Genome position (GRCh38, 1-based): chr1:40,833,083, C>T. VCF-style: chr1-40833083-C-T. GRCh37 (hg19) VCF-style: chr1-41298755-C-T.
Other names: c.1421C>T, p.Pro474Leu (NM_172163.3); short protein forms P474L, P528L.
Identifiers: ClinVar variation 4857390 (VCV004857390.1).